The following is an entry in ClinVar:

NM_024649.5(BBS1):c.851del (p.Tyr284fs)

Genes: BBS1 (Bardet-Biedl syndrome 1; plus strand), ZDHHC24 (zDHHC palmitoyltransferase 24; minus strand). Cytogenetic location: 11q13.2.
Variant type: Deletion.
Coding change: c.851del on transcript NM_024649.5 (MANE Select); coding-DNA position 851, one base deleted (A; older notation c.851delA).
Protein change: p.Tyr284fs; shifts the reading frame from tyrosine 284.
Molecular consequence: frameshift variant. On other transcripts: intron variant (1).
Genome position (GRCh38, 1-based): chr11:66,523,476, A deleted. VCF-style (leftmost placement, unchanged base first): chr11-66523475-TA-T. GRCh37 (hg19) VCF-style: chr11-66290946-TA-T.
Other names: c.*22-2010del (NM_001348571.2); short protein forms Y284fs.
Identifiers: ClinVar variation 12146 (VCV000012146.12), dbSNP rs587777830, ClinGen allele CA256229.

ClinVar aggregate classification (germline): Pathogenic. Review status: criteria provided, multiple submitters, no conflicts (2 of 4 stars). 5 submissions from 5 submitters: Pathogenic (3). 2 of the submissions do not count toward it. Last evaluated 2024-10-21.

Conditions:
BBS1-related disorder. Also called: BBS1-related condition.
Bardet-Biedl syndrome (BBS). Identifiers: Orphanet 110, MedGen C0752166, MONDO:0015229.
Bardet-Biedl syndrome 1 (BBS1). Identifiers: MedGen C2936862, MONDO:0008854, OMIM 209900. Disease mechanism: loss of function.

Allele frequency attached by ClinVar (database versions not stated): gnomAD exomes 0.00001 and below 0.00001; ExAC 0.00001.

Submissions (5):

Natera, Inc.
Classification: Pathogenic for Bardet-Biedl syndrome type 1. Last evaluated: 2024-10-21. Review status: criteria provided, single submitter. Criteria: Natera Variant Classification Schema (03/2026). Collection method: clinical testing. Allele origin: germline.
Comment: The c.851delA variant in BBS1 is a frameshift variant predicted to shift the reading frame beginning at codon 284 and leads to a stop codon 5 codons downstream. This variant is expected to result in nonsense mediated decay, truncation, or a dysfunctional protein product. This variant is rare in the general population with a frequency below the threshold expected for the associated phenotype(s). This variant has been observed in one or more individuals affected with the associated recessive disease, as either homozygous or compound heterozygous with a second variant (PMID: 26518167). Given the available evidence, this variant is classified as Pathogenic.

Labcorp Genetics (formerly Invitae), Labcorp
Classification: Pathogenic for Bardet-Biedl syndrome. Last evaluated: 2023-09-24. Review status: criteria provided, single submitter. Criteria: Invitae Variant Classification Sherloc (09022015). Collection method: clinical testing. Allele origin: germline.
Comment: For these reasons, this variant has been classified as Pathogenic. ClinVar contains an entry for this variant (Variation ID: 12146). This premature translational stop signal has been observed in individual(s) with BBS1-related conditions (PMID: 12118255). This variant is present in population databases (rs587777830, gnomAD 0.002%). This sequence change creates a premature translational stop signal (p.Tyr284Serfs*5) in the BBS1 gene. It is expected to result in an absent or disrupted protein product. Loss-of-function variants in BBS1 are known to be pathogenic (PMID: 12118255, 21520335, 27032803).

Women's Health and Genetics/Laboratory Corporation of America, LabCorp
Classification: Pathogenic for Bardet-Biedl syndrome. Last evaluated: 2018-11-12. Review status: criteria provided, single submitter. Criteria: LabCorp Variant Classification Summary - May 2015. Collection method: clinical testing. Allele origin: germline.
Comment: Variant summary: BBS1 c.851delA (p.Tyr284SerfsX5) results in a premature termination codon, predicted to cause a truncation of the encoded protein or absence of the protein due to nonsense mediated decay, which are commonly known mechanisms for disease. The variant allele was found at a frequency of 8.1e-06 in 246272 control chromosomes (gnomAD). c.851delA has been reported in the literature in individuals affected with Bardet-Biedl Syndrome (Mykytyn 2002, Beales 2003, Ece Solmaz 2015). These data indicate that the variant is likely to be associated with disease. To our knowledge, no experimental evidence demonstrating an impact on protein function has been reported. No clinical diagnostic laboratories have submitted clinical-significance assessments for this variant to ClinVar after 2014. Based on the evidence outlined above, the variant was classified as pathogenic.

OMIM
Classification: Pathogenic for BARDET-BIEDL SYNDROME 1. Last evaluated: 2025-06-12. Review status: no assertion criteria provided. Collection method: literature only. Allele origin: germline. Not counted in ClinVar's aggregate classification.

PreventionGenetics, part of Exact Sciences
Classification: Pathogenic for BBS1-related condition. Last evaluated: 2023-11-01. Review status: no assertion criteria provided. Collection method: clinical testing. Allele origin: germline. Not counted in ClinVar's aggregate classification.
Comment: The BBS1 c.851delA variant is predicted to result in a frameshift and premature protein termination (p.Tyr284Serfs*5). This variant has been previously reported in individuals with Bardet-Biedl syndrome (BBS) (Mykytyn et al. 2002. PubMed ID: 12118255; reported as Y284fsX288 in Table 2, Beales et al. 2003. PubMed ID: 12677556, Tables 1 and 2; Ece Solmaz et al. 2015. PubMed ID: 26518167). This variant is reported in 0.0018% of alleles in individuals of European (Non-Finnish) descent in gnomAD. Frameshift variants in BBS1 are expected to be pathogenic. This variant is interpreted as pathogenic.

Literature cited by the submitters: PubMed 26518167 (cited by Natera, Inc. and Women's Health and Genetics/Laboratory Corporation of America, LabCorp); PubMed 12118255 (cited by Labcorp Genetics (formerly Invitae), Labcorp and Women's Health and Genetics/Laboratory Corporation of America, LabCorp); PubMed 21520335 (cited by Labcorp Genetics (formerly Invitae), Labcorp); PubMed 27032803 (cited by Labcorp Genetics (formerly Invitae), Labcorp); PubMed 12677556 (cited by Women's Health and Genetics/Laboratory Corporation of America, LabCorp); Mykytyn, K. Personal Communication. 2002. Iowa City, Iowa (cited by OMIM).